The following is an entry in ClinVar:

ClinVar aggregate classification (germline): Pathogenic/Likely pathogenic. Review status: criteria provided, multiple submitters, no conflicts (2 of 4 stars). 3 submissions from 3 submitters: Pathogenic (1); Likely pathogenic (2). Last evaluated 2026-09-08.

Conditions:
Fabry disease. Also called: Ceramide trihexosidosis; GLA DEFICIENCY; HEREDITARY DYSTOPIC LIPIDOSIS; Angiokeratoma corporis diffusum; Fabry's disease; ALPHA-GALACTOSIDASE A DEFICIENCY. Identifiers: Orphanet 324, MedGen C0002986, MONDO:0010526, OMIM 301500, HP:0001071. Disease mechanism: Fabry disease is due to inactivating mutations in the X-linked GLA gene resulting in deficiency of the enzyme Alpha Galactosidase-A., loss of function.

Submissions (3):

Genomenon, Inc
Classification: Pathogenic for Fabry disease. Last evaluated: 2026-09-08. Review status: criteria provided, single submitter. Criteria: Genomenon Sequence Variant Interpretation Standards - Updated. Collection method: curation. Allele origin: germline. Affected: yes.
Comment: GLA p.His225Arg (c.674A>G) is a missense variant that changes the amino acid at codon 225 from Histidine to Arginine. This variant has been observed in at least one proband with clinical features consistent with Fabry disease (PMID:27657681). At least one functional study has demonstrated a substantial alteration in protein function relative to the wild-type (PMID:32023956;21598360;27657681). This variant is located in a mutational hotspot and/or important functional domain. It is absent or not present at a significant frequency in gnomAD. In silico models predict that this variant is possibly or probably damaging. In conclusion, we classify GLA p.His225Arg (c.674A>G) as a pathogenic variant.

Labcorp Genetics (formerly Invitae), Labcorp
Classification: Likely pathogenic for Fabry disease. Last evaluated: 2022-04-04. Review status: criteria provided, single submitter. Criteria: Invitae Variant Classification Sherloc (09022015). Collection method: clinical testing. Allele origin: germline.
Comment: ClinVar contains an entry for this variant (Variation ID: 1324473). Experimental studies have shown that this missense change affects GLA function (PMID: 21598360, 23935525). Algorithms developed to predict the effect of missense changes on protein structure and function are either unavailable or do not agree on the potential impact of this missense change (SIFT: "Tolerated"; PolyPhen-2: "Possibly Damaging"; Align-GVGD: "Class C0"). This missense change has been observed in individual(s) with Fabry disease (PMID: 16224739, 18698230). This variant is not present in population databases (gnomAD no frequency). This sequence change replaces histidine, which is basic and polar, with arginine, which is basic and polar, at codon 225 of the GLA protein (p.His225Arg). In summary, the currently available evidence indicates that the variant is pathogenic, but additional data are needed to prove that conclusively. Therefore, this variant has been classified as Likely Pathogenic.

Revvity Omics, Revvity
Classification: Likely pathogenic. Last evaluated: 2021-08-26. Review status: criteria provided, single submitter. Criteria: ACMG Guidelines, 2015. Collection method: clinical testing. Allele origin: germline.

Literature cited by the submitters: PubMed 27657681 (cited by Genomenon, Inc); PubMed 32023956 (cited by Genomenon, Inc); PubMed 21598360 (cited by Genomenon, Inc and Labcorp Genetics (formerly Invitae), Labcorp); PubMed 23935525 (cited by Labcorp Genetics (formerly Invitae), Labcorp); PubMed 16224739 (cited by Labcorp Genetics (formerly Invitae), Labcorp); PubMed 18698230 (cited by Labcorp Genetics (formerly Invitae), Labcorp).

NM_000169.3(GLA):c.674A>G (p.His225Arg)

Genes: GLA (galactosidase alpha; minus strand), RPL36A-HNRNPH2 (RPL36A-HNRNPH2 readthrough; plus strand). Cytogenetic location: Xq22.1.
Variant type: single nucleotide variant.
Coding change: c.674A>G on transcript NM_000169.3 (MANE Select); coding-DNA position 674, A replaced by G.
Protein change: p.His225Arg; replaces histidine 225 with arginine.
Molecular consequence: missense variant. On other transcripts: non-coding transcript variant (3), intron variant (2).
Genome position (GRCh38, 1-based): chrX:101,398,912, T>C on the plus strand (A>G on the coding strand, the complement: GLA is on the minus strand). VCF-style: chrX-101398912-T-C. GRCh37 (hg19) VCF-style: chrX-100653900-T-C.
Other names: c.797A>G, p.His266Arg (NM_001406747.1); c.674A>G, p.His225Arg (NM_001406748.1); c.300+3455T>C (NM_001199973.2); c.177+7090T>C (NM_001199974.2); short protein forms H225R, H266R.
Identifiers: ClinVar variation 1324473 (VCV001324473.11), dbSNP rs2147473301, ClinGen allele CA413924944.